The following is an entry in ClinVar:

ClinVar aggregate classification (germline): Pathogenic/Likely pathogenic. Review status: criteria provided, multiple submitters, no conflicts (2 of 4 stars). 4 submissions from 4 submitters: Pathogenic (3); Likely pathogenic (1). Last evaluated 2025-03-27.

Conditions:
Familial cancer of breast. Also called: hereditary breast carcinoma; Hereditary breast cancer; BREAST CANCER, FAMILIAL. Identifiers: Orphanet 227535, MedGen C0346153, MONDO:0016419, OMIM 114480. Disease mechanism: loss of function.
Hereditary cancer-predisposing syndrome. Also called: Neoplastic Syndromes, Hereditary; Hereditary Cancer Syndrome; Tumor predisposition; Hereditary neoplastic syndrome. Identifiers: Orphanet 140162, MedGen C0027672, MeSH D009386, MONDO:0015356.

Submissions (4):

Ambry Genetics
Classification: Pathogenic for Hereditary cancer-predisposing syndrome. Last evaluated: 2025-03-27. Review status: criteria provided, single submitter. Criteria: Ambry Variant Classification Scheme 2023. Collection method: clinical testing. Allele origin: germline.
Comment: The c.1156delA pathogenic mutation, located in coding exon 4 of the PALB2 gene, results from a deletion of one nucleotide at nucleotide position 1156, causing a translational frameshift with a predicted alternate stop codon (p.T386Pfs*38). This alteration is expected to result in loss of function by premature protein truncation or nonsense-mediated mRNA decay. As such, this alteration is interpreted as a disease-causing mutation.

Labcorp Genetics (formerly Invitae), Labcorp
Classification: Pathogenic for Familial cancer of breast. Last evaluated: 2024-03-28. Review status: criteria provided, single submitter. Criteria: Invitae Variant Classification Sherloc (09022015). Collection method: clinical testing. Allele origin: germline.
Comment: This sequence change creates a premature translational stop signal (p.Thr386Profs*38) in the PALB2 gene. It is expected to result in an absent or disrupted protein product. Loss-of-function variants in PALB2 are known to be pathogenic (PMID: 17200668, 17200671, 17200672, 24136930, 25099575). This variant is not present in population databases (gnomAD no frequency). This variant has not been reported in the literature in individuals affected with PALB2-related conditions. ClinVar contains an entry for this variant (Variation ID: 971171). For these reasons, this variant has been classified as Pathogenic.

Myriad Genetics, Inc.
Classification: Pathogenic for Familial cancer of breast. Last evaluated: 2023-02-21. Review status: criteria provided, single submitter. Criteria: Myriad Autosomal Dominant, Autosomal Recessive and X-Linked Classification Criteria (2023). Collection method: clinical testing. Allele origin: unknown.
Comment: This variant is considered pathogenic. This variant creates a frameshift predicted to result in premature protein truncation.

Sema4
Classification: Likely pathogenic for Hereditary cancer-predisposing syndrome. Last evaluated: 2021-12-07. Review status: criteria provided, single submitter. Criteria: Sema4 Curation Guidelines. Collection method: curation. Allele origin: germline.
Comment: To the best of our knowledge, the PALB2 c.1156delA (p.T386Pfs*38) variant has not been reported in individuals with PALB2-related disease. This variant causes a frameshift at amino acid 386 that results in premature termination 38 amino acids downstream. At this location, this is predicted to result in absent protein (loss of function). Loss of function variants in PALB2 are known to be pathogenic (PMID: 25099575). This variant is not reported in the population database Genome Aggregation Database (PMID: 32461654). This variant has been reported in ClinVar (Variation ID: 971171). Based on the current evidence available, this variant is interpreted as likely pathogenic.

Literature cited by the submitters: PubMed 17200668 (cited by Labcorp Genetics (formerly Invitae), Labcorp); PubMed 17200671 (cited by Labcorp Genetics (formerly Invitae), Labcorp); PubMed 17200672 (cited by Labcorp Genetics (formerly Invitae), Labcorp); PubMed 24136930 (cited by Labcorp Genetics (formerly Invitae), Labcorp); PubMed 25099575 (cited by Labcorp Genetics (formerly Invitae), Labcorp and Sema4).

NM_024675.4(PALB2):c.1156del (p.Thr386fs)

Gene: PALB2 (partner and localizer of BRCA2; minus strand). Cytogenetic location: 16p12.2.
Variant type: Deletion.
Coding change: c.1156del on transcript NM_024675.4 (MANE Select); coding-DNA position 1156, one base deleted (A; older notation c.1156delA).
Protein change: p.Thr386fs; shifts the reading frame from threonine 386.
Molecular consequence: frameshift variant.
Genome position (GRCh38, 1-based): chr16:23,635,390, T deleted on the plus strand (A on the coding strand, the reverse complement: PALB2 is on the minus strand); the first of 2 consecutive T bases (chr16:23,635,390-23,635,391); deleting either gives the same sequence. VCF-style (leftmost placement, unchanged base first): chr16-23635389-GT-G. GRCh37 (hg19) VCF-style: chr16-23646710-GT-G.
Other names: c.1156delA (NM_024675.3); short protein forms T386fs.
Identifiers: ClinVar variation 971171 (VCV000971171.12), dbSNP rs1597096949, ClinGen allele CA1139664621.